The following is an entry in ClinVar:

NM_015465.5(GEMIN5):c.1627A>G (p.Ser543Gly)

Gene: GEMIN5 (gem nuclear organelle associated protein 5; minus strand). Cytogenetic location: 5q33.2.
Variant type: single nucleotide variant.
Coding change: c.1627A>G on transcript NM_015465.5 (MANE Select); coding-DNA position 1627, A replaced by G.
Protein change: p.Ser543Gly; replaces serine 543 with glycine.
Molecular consequence: missense variant.
Genome position (GRCh38, 1-based): chr5:154,917,977, T>C on the plus strand (A>G on the coding strand, the complement: GEMIN5 is on the minus strand). VCF-style: chr5-154917977-T-C. GRCh37 (hg19) VCF-style: chr5-154297537-T-C.
Other names: NC_000005.9:g.154297537T>C; c.1624A>G, p.Ser542Gly (NM_001252156.2); c.1627A>G (NM_015465.4); short protein forms S542G, S543G.
Identifiers: ClinVar variation 2564519 (VCV002564519.5), dbSNP rs144152068, ClinGen allele CA3528929.

ClinVar aggregate classification (germline): Uncertain significance. Review status: criteria provided, multiple submitters, no conflicts (2 of 4 stars). 2 submissions from 2 submitters: Uncertain significance (2). Last evaluated 2026-05-19.

Conditions:
Inborn genetic diseases. Identifiers: MedGen C0950123, MeSH D030342.

Allele frequency attached by ClinVar (database versions not stated): 1000 Genomes Project 0.00020; gnomAD 0.00023; TOPMed 0.00024; ExAC 0.00030; 1000 Genomes Project 30x 0.00031; gnomAD exomes 0.00043; ESP Exome Variant Server 0.00069.
gnomAD v4.1: 659 of 1,612,080 alleles (0.041%); highest among the groups gnomAD compares: Non-Finnish European, 0.052%; 1 homozygote.

Submissions (3):

GeneDx
Classification: Uncertain significance. Last evaluated: 2026-05-19. Review status: criteria provided, single submitter. Criteria: GeneDx Variant Classification Process June 2021. Collection method: clinical testing. Allele origin: germline.
Comment: In silico analysis supports that this missense variant has a deleterious effect on protein structure/function; This variant is associated with the following publications: (PMID: 35295849, 39819844)

Ambry Genetics
Classification: Uncertain significance for Inborn genetic diseases. Last evaluated: 2023-03-20. Review status: criteria provided, single submitter. Criteria: Ambry Variant Classification Scheme 2023. Collection method: clinical testing. Allele origin: germline.

Dr. Peter K. Rogan Lab, Western University
No classification provided (evidence only). Condition: Adrenocortical carcinoma, hereditary. Review status: no classification provided. Collection method: in vitro. Allele origin: not applicable. Functional consequence: retained intron. Not counted in ClinVar's aggregate classification.